The following is an entry in ClinVar:

ClinVar aggregate classification (germline): Conflicting classifications of pathogenicity. Review status: criteria provided, conflicting classifications (1 of 4 stars). 3 submissions from 3 submitters: Uncertain significance (2); Likely benign (1). Last evaluated 2025-08-26.

Conditions:
Inborn genetic diseases. Identifiers: MedGen C0950123, MeSH D030342.
Fanconi anemia (FA). Also called: Fanconi's anemia. Identifiers: Orphanet 84, MedGen C0015625, MeSH D005199, MONDO:0019391.

Allele frequency attached by ClinVar (database versions not stated): ExAC 0.00001; gnomAD 0.00001; TOPMed 0.00001; gnomAD exomes 0.00003 and 0.00004.
gnomAD v4.1: 65 of 1,613,616 alleles (0.004%); highest among the groups gnomAD compares: Non-Finnish European, 0.0048%; no homozygotes.

Submissions (3):

Ambry Genetics
Classification: Likely benign for Inborn genetic diseases. Last evaluated: 2025-08-26. Review status: criteria provided, single submitter. Criteria: Ambry Variant Classification Scheme 2023. Collection method: clinical testing. Allele origin: germline.

Labcorp Genetics (formerly Invitae), Labcorp
Classification: Uncertain significance for Fanconi anemia. Last evaluated: 2022-06-13. Review status: criteria provided, single submitter. Criteria: Invitae Variant Classification Sherloc (09022015). Collection method: clinical testing. Allele origin: germline.
Comment: This sequence change replaces arginine, which is basic and polar, with lysine, which is basic and polar, at codon 1014 of the SLX4 protein (p.Arg1014Lys). This variant is present in population databases (rs756448789, gnomAD 0.008%). This variant has not been reported in the literature in individuals affected with SLX4-related conditions. ClinVar contains an entry for this variant (Variation ID: 1010560). Algorithms developed to predict the effect of missense changes on protein structure and function output the following: SIFT: "Tolerated"; PolyPhen-2: "Benign"; Align-GVGD: "Class C0". The lysine amino acid residue is found in multiple mammalian species, which suggests that this missense change does not adversely affect protein function. In summary, the available evidence is currently insufficient to determine the role of this variant in disease. Therefore, it has been classified as a Variant of Uncertain Significance.

GeneDx
Classification: Uncertain significance. Last evaluated: 2022-05-10. Review status: criteria provided, single submitter. Criteria: GeneDx Variant Classification Process June 2021. Collection method: clinical testing. Allele origin: germline. Affected: yes.
Comment: In silico analysis supports that this missense variant does not alter protein structure/function; Has not been previously published as pathogenic or benign to our knowledge

NM_032444.4(SLX4):c.3041G>A (p.Arg1014Lys)

Gene: SLX4 (SLX4 structure-specific endonuclease subunit; minus strand). Cytogenetic location: 16p13.3.
Variant type: single nucleotide variant.
Coding change: c.3041G>A on transcript NM_032444.4 (MANE Select); coding-DNA position 3041, G replaced by A.
Protein change: p.Arg1014Lys; replaces arginine 1014 with lysine.
Molecular consequence: missense variant.
Genome position (GRCh38, 1-based): chr16:3,590,597, C>T on the plus strand (G>A on the coding strand, the complement: SLX4 is on the minus strand). VCF-style: chr16-3590597-C-T. GRCh37 (hg19) VCF-style: chr16-3640598-C-T.
Other names: short protein forms R1014K.
Identifiers: ClinVar variation 1010560 (VCV001010560.8), dbSNP rs756448789, ClinGen allele CA7866012.